The following is an entry in ClinVar:

NM_003738.5(PTCH2):c.221G>A (p.Arg74His)

Gene: PTCH2 (patched 2; minus strand). Cytogenetic location: 1p34.1.
Variant type: single nucleotide variant.
Coding change: c.221G>A on transcript NM_003738.5 (MANE Select); coding-DNA position 221, G replaced by A.
Protein change: p.Arg74His; replaces arginine 74 with histidine.
Molecular consequence: missense variant.
Genome position (GRCh38, 1-based): chr1:44,841,891, C>T on the plus strand (G>A on the coding strand, the complement: PTCH2 is on the minus strand). VCF-style: chr1-44841891-C-T. GRCh37 (hg19) VCF-style: chr1-45307563-C-T.
Other names: c.221G>A, p.Arg74His (NM_001166292.2); short protein forms R74H.
Identifiers: ClinVar variation 1441192 (VCV001441192.6), dbSNP rs771760736, ClinGen allele CA823719.

ClinVar aggregate classification (germline): Uncertain significance (1 of 4 stars; one submission).

Conditions:
Gorlin syndrome. Also called: Basal cell nevus syndrome; Nevoid Basal Cell Carcinoma Syndrome. Identifiers: Orphanet 377, MedGen C0004779, MONDO:0007187.

Allele frequency attached by ClinVar (database versions not stated): TOPMed 0.00002; gnomAD 0.00003; gnomAD exomes 0.00005 and 0.00006; ExAC 0.00008.
gnomAD v4.1: 90 of 1,614,062 alleles (0.0056%); highest among the groups gnomAD compares: East Asian, 0.15%; 1 homozygote.

Submission:

Labcorp Genetics (formerly Invitae), Labcorp
Classification: Uncertain significance for Gorlin syndrome. Last evaluated: 2024-10-02. Review status: criteria provided, single submitter. Criteria: Invitae Variant Classification Sherloc (09022015). Collection method: clinical testing. Allele origin: germline.
Comment: This sequence change replaces arginine, which is basic and polar, with histidine, which is basic and polar, at codon 74 of the PTCH2 protein (p.Arg74His). This variant is present in population databases (rs771760736, gnomAD 0.03%). This missense change has been observed in individual(s) with Gorlin syndrome (PMID: 28915250). ClinVar contains an entry for this variant (Variation ID: 1441192). Invitae Evidence Modeling of protein sequence and biophysical properties (such as structural, functional, and spatial information, amino acid conservation, physicochemical variation, residue mobility, and thermodynamic stability) indicates that this missense variant is not expected to disrupt PTCH2 protein function with a negative predictive value of 80%. In summary, the available evidence is currently insufficient to determine the role of this variant in disease. Therefore, it has been classified as a Variant of Uncertain Significance.

Literature cited by the submitters: PubMed 28915250.